The following is an entry in ClinVar:

NM_006623.4(PHGDH):c.907_908insCTCTTATACACATC (p.Phe303fs)

Gene: PHGDH (phosphoglycerate dehydrogenase; plus strand). Cytogenetic location: 1p12.
Variant type: Insertion.
Coding change: c.907_908insCTCTTATACACATC on transcript NM_006623.4 (MANE Select); coding-DNA positions 907 to 908, CTCTTATACACATC inserted.
Protein change: p.Phe303fs; shifts the reading frame from phenylalanine 303.
Molecular consequence: frameshift variant.
Genome position: GRCh38 VCF-style: chr1-119737228-T-TCTCTTATACACATC. GRCh37 (hg19) VCF-style: chr1-120279851-T-TCTCTTATACACATC.
Other names: short protein forms F303fs.
Identifiers: ClinVar variation 5011183 (VCV005011183.1).

ClinVar aggregate classification (germline): Pathogenic (1 of 4 stars; one submission).

Conditions:
Neurometabolic disorder due to serine deficiency. Identifiers: Orphanet 35705, MedGen C5680148, MONDO:0018162.

Submission:

Myriad Genetics, Inc.
Classification: Pathogenic for Neurometabolic disorder due to serine deficiency. Last evaluated: 2024-05-14. Review status: criteria provided, single submitter. Criteria: Myriad Autosomal Dominant, Autosomal Recessive and X-Linked Classification Criteria (2023). Collection method: clinical testing. Allele origin: unknown.
Comment: NM_006623.3(PHGDH):c.907_908ins14(F303Sfs*10) is expected to be pathogenic in the context of serine deficiency disorder, PHGDH-related. This variant is predicted to lead to an abnormal or absent protein product due to the creation of a premature termination codon in PHGDH, a gene where loss-of-function variants are known to be pathogenic. Please note: this variant was assessed in the context of healthy population screening.